The following is an entry in ClinVar:

NM_005219.5(DIAPH1):c.1717CCT[1] (p.Pro574del)

Gene: DIAPH1 (diaphanous related formin 1; minus strand). Cytogenetic location: 5q31.3.
Variant type: Microsatellite.
Coding change: c.1717CCT[1] on transcript NM_005219.5 (MANE Select); one copy of the 3-base unit CCT starting at c.1717; the reference has two copies in a row; one copy, 3 bases deleted.
Protein change: p.Pro574del; deletes proline 574.
Molecular consequence: inframe deletion.
Genome position (GRCh38, 1-based): chr5:141,574,128-141,574,130, AGG deleted on the plus strand (CCT on the coding strand, the reverse complement: DIAPH1 is on the minus strand); deleting any 3 consecutive bases within chr5:141,574,128-141,574,133 gives the same sequence; the position shown is the placement nearest the transcript's 3' end. VCF-style (leftmost placement, unchanged base first): chr5-141574127-AAGG-A. GRCh37 (hg19) VCF-style: chr5-140953694-AAGG-A.
Other names: c.1690CCT[1], p.Pro565del (NM_001079812.3); c.1717CCT[1], p.Pro574del (NM_001314007.2); short protein forms P565del, P574del.
Identifiers: ClinVar variation 3755666 (VCV003755666.2).

ClinVar aggregate classification (germline): Uncertain significance (1 of 4 stars; one submission).

Conditions:
Autosomal dominant nonsyndromic hearing loss 1. Also called: KONIGSMARK SYNDROME; DEAFNESS, AUTOSOMAL DOMINANT 1, WITH OR WITHOUT THROMBOCYTOPENIA. Identifiers: Orphanet 90635, MedGen C1852282, MONDO:0007424, OMIM 124900.
Progressive microcephaly-seizures-cortical blindness-developmental delay syndrome. Also called: Seizures, cortical blindness, and microcephaly syndrome. Identifiers: Orphanet 477814, MedGen C5567650, MONDO:0014714, OMIM 616632.

Submission:

Labcorp Genetics (formerly Invitae), Labcorp
Classification: Uncertain significance for Progressive microcephaly-seizures-cortical blindness-developmental delay syndrome; Autosomal dominant nonsyndromic hearing loss 1. Last evaluated: 2024-04-03. Review status: criteria provided, single submitter. Criteria: Invitae Variant Classification Sherloc (09022015). Collection method: clinical testing. Allele origin: germline.
Comment: This variant, c.1720_1722del, results in the deletion of 1 amino acid(s) of the DIAPH1 protein (p.Pro574del), but otherwise preserves the integrity of the reading frame. This variant is not present in population databases (gnomAD no frequency). This variant has not been reported in the literature in individuals affected with DIAPH1-related conditions. Experimental studies and prediction algorithms are not available or were not evaluated, and the functional significance of this variant is currently unknown. In summary, the available evidence is currently insufficient to determine the role of this variant in disease. Therefore, it has been classified as a Variant of Uncertain Significance.